The following is an entry in ClinVar:

NM_000257.4(MYH7):c.5128A>G (p.Ser1710Gly)

Genes: MHRT (myosin heavy chain associated RNA transcript; plus strand), MYH7 (myosin heavy chain 7; minus strand), LOC126861897 (BRD4-independent group 4 enhancer GRCh37_chr14:23884455-23885654; plus strand). Cytogenetic location: 14q11.2.
Variant type: single nucleotide variant.
Coding change: c.5128A>G on transcript NM_000257.4 (MANE Select); coding-DNA position 5128, A replaced by G.
Protein change: p.Ser1710Gly; replaces serine 1710 with glycine.
Molecular consequence: missense variant. On other transcripts: non-coding transcript variant (1).
Genome position (GRCh38, 1-based): chr14:23,415,658, T>C on the plus strand (A>G on the coding strand, the complement: MYH7 is on the minus strand). VCF-style: chr14-23415658-T-C. GRCh37 (hg19) VCF-style: chr14-23884867-T-C.
Other names: c.5128A>G, p.Ser1710Gly (NM_001407004.1); short protein forms S1710G.
Identifiers: ClinVar variation 4759145 (VCV004759145.1).
Genomic context (GRCh38, chr14:23,415,658, plus strand): 5'-CCCTTCAGGAATGAGCAGGGGAGCTGCTCACCTGGGAATGCAGCAGCTGCACCCGCTCAC[T>C]AGTCTCAATCAGCTCCTGCTCCGCCAGCTTCCGGGACCGCTCTGTCTGCTCCACCACGGC-3'
Protein context (NP_000248.2, residues 1700-1720): KLAEQELIET[Ser1710Gly]ERVQLLHSQN

ClinVar aggregate classification (germline): Uncertain significance (1 of 4 stars; one submission).

Conditions:
Cardiomyopathy (CMYO). Also called: Cardiomyopathies. Identifiers: Orphanet 167848, MedGen C0878544, MONDO:0004994, HP:0001638. Inheritance: Various modes of inheritance.

Submission:

Color Diagnostics, LLC DBA Color Health
Classification: Uncertain significance for Cardiomyopathy. Last evaluated: 2025-08-07. Review status: criteria provided, single submitter. Criteria: ACMG Guidelines, 2015. Collection method: clinical testing. Allele origin: germline.
Comment: This missense variant replaces serine with glycine at codon 1710 of the MYH7 protein. Computational prediction is inconclusive regarding the impact of this variant on protein structure and function. To our knowledge, functional studies have not been reported for this variant. This variant has not been reported in individuals affected with MYH7-related disorders in the literature. This variant has not been identified in the general population by the Genome Aggregation Database (gnomAD). The available evidence is insufficient to determine the role of this variant in disease conclusively. Therefore, this variant is classified as a Variant of Uncertain Significance.